The following is an entry in ClinVar:

ClinVar aggregate classification (germline): Benign (0 of 4 stars; one submission).

Conditions:
DCHS2-related disorder. Also called: DCHS2-related condition.

Allele frequency attached by ClinVar (database versions not stated): ESP Exome Variant Server 0.00015; TOPMed 0.00015; gnomAD 0.00057; ExAC 0.00191; 1000 Genomes Project 30x 0.00344; 1000 Genomes Project 0.00359.
gnomAD v4.1: 1,356 of 1,613,942 alleles (0.084%); highest among the groups gnomAD compares: South Asian, 1.3%; 18 homozygotes.

Submission:

PreventionGenetics, part of Exact Sciences
Classification: Benign for DCHS2-related condition. Last evaluated: 2019-02-20. Review status: no assertion criteria provided. Collection method: clinical testing. Allele origin: germline.
Comment: This variant is classified as benign based on ACMG/AMP sequence variant interpretation guidelines (Richards et al. 2015 PMID: 25741868, with internal and published modifications).

NM_001358235.2(DCHS2):c.8644C>A (p.Gln2882Lys)

Genes: DCHS2 (dachsous cadherin-related 2; minus strand), DCHS2-AS1 (DCHS2 antisense RNA 1; plus strand). Cytogenetic location: 4q31.3.
Variant type: single nucleotide variant.
Coding change: c.8644C>A on transcript NM_001358235.2 (MANE Select); coding-DNA position 8644, C replaced by A.
Protein change: p.Gln2882Lys; replaces glutamine 2882 with lysine.
Molecular consequence: missense variant.
Genome position (GRCh38, 1-based): chr4:154,236,008, G>T on the plus strand (C>A on the coding strand, the complement: DCHS2 is on the minus strand). VCF-style: chr4-154236008-G-T. GRCh37 (hg19) VCF-style: chr4-155157160-G-T.
Other names: short protein forms Q2882K.
Identifiers: ClinVar variation 3038678 (VCV003038678.2), dbSNP rs200042662, ClinGen allele CA3111889.
Genomic context (GRCh38, chr4:154,236,008, plus strand): 5'-CTCTGCCAATCAACTGTCTGTCTTTATTCTTTTCTGGGAGGGTGAAAAAATACTGATCTT[G>T]AGTGAAAATGGGCTCAAATTCATCTATCCCTTCAATATCCACCCAGACCACTAAGGAGGC-3'
Protein context (NP_001345164.1, residues 2872-2892): GIDEFEPIFT[Gln2882Lys]DQYFFTLPEK